The following is an entry in ClinVar:

ClinVar aggregate classification (germline): Uncertain significance (1 of 4 stars; one submission).

Conditions:
Inborn genetic diseases. Identifiers: MedGen C0950123, MeSH D030342.

Submission:

Ambry Genetics
Classification: Uncertain significance for Inborn genetic diseases. Last evaluated: 2021-09-04. Review status: criteria provided, single submitter. Criteria: Ambry Variant Classification Scheme 2023. Collection method: clinical testing. Allele origin: germline.
Comment: The p.I984M variant (also known as c.2952T>G), located in coding exon 23 of the LRRK2 gene, results from a T to G substitution at nucleotide position 2952. The isoleucine at codon 984 is replaced by methionine, an amino acid with highly similar properties. This amino acid position is conserved. In addition, the in silico prediction for this alteration is inconclusive. Since supporting evidence is limited at this time, the clinical significance of this alteration remains unclear.

NM_198578.4(LRRK2):c.2952T>G (p.Ile984Met)

Gene: LRRK2 (leucine rich repeat kinase 2; plus strand). Cytogenetic location: 12q12.
Variant type: single nucleotide variant.
Coding change: c.2952T>G on transcript NM_198578.4 (MANE Select); coding-DNA position 2952, T replaced by G.
Protein change: p.Ile984Met; replaces isoleucine 984 with methionine.
Molecular consequence: missense variant.
Genome position (GRCh38, 1-based): chr12:40,295,500, T>G. VCF-style: chr12-40295500-T-G. GRCh37 (hg19) VCF-style: chr12-40689302-T-G.
Other names: short protein forms I984M.
Identifiers: ClinVar variation 1798078 (VCV001798078.2), dbSNP rs2499728448, ClinGen allele CA384412632.
Genomic context (GRCh38, chr12:40,295,500, plus strand): 5'-TCAATCCCATATGAGGCATTCAGACAGCATTTCTTCTCTGGCTTCTGAGAGAGAATATAT[T>G]ACATCACTAGACCTTTCAGCAAATGAACTAAGAGATATTGATGCCCTAAGCCAGAAATGC-3'
Protein context (NP_940980.4, residues 974-994): ISSLASEREY[Ile984Met]TSLDLSANEL